The following is an entry in ClinVar:

NM_000426.4(LAMA2):c.1885-2A>G

Gene: LAMA2 (laminin subunit alpha 2; plus strand). Cytogenetic location: 6q22.33.
Variant type: single nucleotide variant.
Coding change: c.1885-2A>G on transcript NM_000426.4 (MANE Select); the canonical splice acceptor site of the intron before coding-DNA position 1885, A replaced by G.
Molecular consequence: splice acceptor variant.
Genome position (GRCh38, 1-based): chr6:129,252,082, A>G. VCF-style: chr6-129252082-A-G. GRCh37 (hg19) VCF-style: chr6-129573227-A-G.
Other names: c.1885-2A>G (NM_001079823.2).
Identifiers: ClinVar variation 2035124 (VCV002035124.4), dbSNP rs1301666663, ClinGen allele CA365610047.

ClinVar aggregate classification (germline): Likely pathogenic (1 of 4 stars; one submission).

Conditions:
LAMA2-related muscular dystrophy (LAMA2-RD). Also called: Laminin alpha 2-related dystrophy. Identifiers: MedGen C5679788, MONDO:0100228.

Submission:

Labcorp Genetics (formerly Invitae), Labcorp
Classification: Likely pathogenic for LAMA2-related muscular dystrophy. Last evaluated: 2024-10-18. Review status: criteria provided, single submitter. Criteria: Invitae Variant Classification Sherloc (09022015). Collection method: clinical testing. Allele origin: germline.
Comment: This sequence change affects an acceptor splice site in intron 13 of the LAMA2 gene. It is expected to disrupt RNA splicing. Variants that disrupt the donor or acceptor splice site typically lead to a loss of protein function (PMID: 16199547), and loss-of-function variants in LAMA2 are known to be pathogenic (PMID: 18700894, 32904964). This variant is present in population databases (no rsID available, gnomAD 0.0009%). This variant has not been reported in the literature in individuals affected with LAMA2-related conditions. ClinVar contains an entry for this variant (Variation ID: 2035124). Algorithms developed to predict the effect of sequence changes on RNA splicing suggest that this variant may disrupt the consensus splice site. In summary, the currently available evidence indicates that the variant is pathogenic, but additional data are needed to prove that conclusively. Therefore, this variant has been classified as Likely Pathogenic.

Literature cited by the submitters: PubMed 16199547; PubMed 18700894; PubMed 32904964.